The following is an entry in ClinVar:

ClinVar aggregate classification (germline): Likely pathogenic. Review status: criteria provided, multiple submitters, no conflicts (2 of 4 stars). 2 submissions from 2 submitters: Likely pathogenic (2). Last evaluated 2024-10-15.

Conditions:
Seizures, benign familial infantile, 3 (BFIS3). Also called: Familial neonatal seizures; CONVULSIONS, BENIGN FAMILIAL INFANTILE, 3. Identifiers: Orphanet 140927, Orphanet 306, MedGen C1843140, MONDO:0011904, OMIM 607745.
Developmental and epileptic encephalopathy, 11 (DEE11). Also called: Early infantile epileptic encephalopathy 11. Identifiers: Orphanet 1934, MedGen C3150987, MONDO:0013388, OMIM 613721.

Submissions (2):

Labcorp Genetics (formerly Invitae), Labcorp
Classification: Likely pathogenic for Seizures, benign familial infantile, 3; Developmental and epileptic encephalopathy, 11. Last evaluated: 2024-10-15. Review status: criteria provided, single submitter. Criteria: Invitae Variant Classification Sherloc (09022015). Collection method: clinical testing. Allele origin: germline.
Comment: This sequence change replaces lysine, which is basic and polar, with glutamic acid, which is acidic and polar, at codon 905 of the SCN2A protein (p.Lys905Glu). This variant is not present in population databases (gnomAD no frequency). This missense change has been observed in individual(s) with epileptic encephalopathy (PMID: 29056246). ClinVar contains an entry for this variant (Variation ID: 285909). Invitae Evidence Modeling of protein sequence and biophysical properties (such as structural, functional, and spatial information, amino acid conservation, physicochemical variation, residue mobility, and thermodynamic stability) indicates that this missense variant is expected to disrupt SCN2A protein function with a positive predictive value of 95%. This variant disrupts the p.Lys905 amino acid residue in SCN2A. Other variant(s) that disrupt this residue have been determined to be pathogenic (PMID: 23708187). This suggests that this residue is clinically significant, and that variants that disrupt this residue are likely to be disease-causing. In summary, the currently available evidence indicates that the variant is pathogenic, but additional data are needed to prove that conclusively. Therefore, this variant has been classified as Likely Pathogenic.

Eurofins Ntd Llc (ga)
Classification: Likely pathogenic. Last evaluated: 2017-06-29. Review status: criteria provided, single submitter. Criteria: EGL Classification Definitions 2015. Collection method: clinical testing. Allele origin: germline. Observed: 1 variant allele, 1 heterozygote.

Literature cited by the submitters: PubMed 29056246 (cited by Labcorp Genetics (formerly Invitae), Labcorp); PubMed 23708187 (cited by Labcorp Genetics (formerly Invitae), Labcorp and Eurofins Ntd Llc (ga)).

NM_001040142.2(SCN2A):c.2713A>G (p.Lys905Glu)

Gene: SCN2A (sodium voltage-gated channel alpha subunit 2; plus strand). Cytogenetic location: 2q24.3.
Variant type: single nucleotide variant.
Coding change: c.2713A>G on transcript NM_001040142.2 (MANE Select); coding-DNA position 2713, A replaced by G.
Protein change: p.Lys905Glu; replaces lysine 905 with glutamic acid.
Molecular consequence: missense variant.
Genome position (GRCh38, 1-based): chr2:165,344,705, A>G. VCF-style: chr2-165344705-A-G. GRCh37 (hg19) VCF-style: chr2-166201215-A-G.
Other names: c.2713A>G, p.Lys905Glu (NM_001040143.2, NM_001371246.1, NM_001371247.1 and 1 more transcripts); short protein forms K905E.
Identifiers: ClinVar variation 285909 (VCV000285909.13), dbSNP rs886043250, ClinGen allele CA10605291.